The following is an entry in ClinVar:

ClinVar aggregate classification (germline): Uncertain significance. Review status: criteria provided, multiple submitters, no conflicts (2 of 4 stars). 2 submissions from 2 submitters: Uncertain significance (2). Last evaluated 2026-03-03.

Conditions:
Hereditary cancer-predisposing syndrome. Also called: Hereditary neoplastic syndrome; Tumor predisposition; Neoplastic Syndromes, Hereditary; Hereditary Cancer Syndrome. Identifiers: Orphanet 140162, MedGen C0027672, MeSH D009386, MONDO:0015356.

Submissions (2):

Ambry Genetics
Classification: Uncertain significance for Hereditary cancer-predisposing syndrome. Last evaluated: 2026-03-03. Review status: criteria provided, single submitter. Criteria: Ambry Variant Classification Scheme 2023. Collection method: clinical testing. Allele origin: germline.
Comment: The p.P522S variant (also known as c.1564C>T), located in coding exon 13 of the BAP1 gene, results from a C to T substitution at nucleotide position 1564. The proline at codon 522 is replaced by serine, an amino acid with similar properties. This amino acid position is conserved. In addition, the in silico prediction for this alteration is inconclusive. Based on the available evidence, the clinical significance of this variant remains unclear.

GeneDx
Classification: Uncertain significance. Last evaluated: 2024-05-10. Review status: criteria provided, single submitter. Criteria: GeneDx Variant Classification Process June 2021. Collection method: clinical testing. Allele origin: germline. Affected: yes.
Comment: Not observed at significant frequency in large population cohorts (gnomAD); In silico analysis indicates that this missense variant does not alter protein structure/function; Has not been previously published as pathogenic or benign to our knowledge

NM_004656.4(BAP1):c.1564C>T (p.Pro522Ser)

Gene: BAP1 (BRCA1 associated deubiquitinase 1; minus strand). Cytogenetic location: 3p21.1.
Variant type: single nucleotide variant.
Coding change: c.1564C>T on transcript NM_004656.4 (MANE Select); coding-DNA position 1564, C replaced by T.
Protein change: p.Pro522Ser; replaces proline 522 with serine.
Molecular consequence: missense variant.
Genome position (GRCh38, 1-based): chr3:52,403,581, G>A on the plus strand (C>T on the coding strand, the complement: BAP1 is on the minus strand). VCF-style: chr3-52403581-G-A. GRCh37 (hg19) VCF-style: chr3-52437597-G-A.
Other names: c.1510C>T, p.Pro504Ser (NM_001410772.1); short protein forms P504S, P522S.
Identifiers: ClinVar variation 3375901 (VCV003375901.2).
Genomic context (GRCh38, chr3:52,403,581, plus strand): 5'-CAACACGCAGCAGGCTGTCATCCTCTCCAAAAAGCACCTTGGAGATGTGGGAGGTGACAG[G>A]GCTGGAGGGCCGCGTCGGGTTGGCTGAGCGGATAGGCGAGCGCAGTGGCGAGTTGAAAGC-3'
Protein context (NP_004647.1, residues 512-532): RSANPTRPSS[Pro522Ser]VTSHISKVLF